The following is an entry in ClinVar:

ClinVar aggregate classification (germline): Pathogenic (1 of 4 stars; one submission).

Submission:

GeneDx
Classification: Pathogenic. Last evaluated: 2023-05-25. Review status: criteria provided, single submitter. Criteria: GeneDx Variant Classification Process June 2021. Collection method: clinical testing. Allele origin: germline. Affected: yes.
Comment: Canonical splice site variant predicted to result in a null allele in a gene for which loss of function is a known mechanism of disease; Not observed at significant frequency in large population cohorts (gnomAD); This variant is associated with the following publications: (PMID: 31834863)

NM_000451.4(SHOX):c.278-1G>C

Genes: SHOX (SHOX homeobox; plus strand), LOC107652445 (meiotic recombination hotspot SHOX; plus strand). Cytogenetic location: Xp22.33.
Variant type: single nucleotide variant.
Coding change: c.278-1G>C on transcript NM_000451.4 (MANE Select); the canonical splice acceptor site of the intron before coding-DNA position 278, G replaced by C.
Molecular consequence: splice acceptor variant.
Genome position (GRCh38, 1-based): chrX:634,617, G>C. VCF-style: chrX-634617-G-C. GRCh37 (hg19) VCF-style: chrX-595352-G-C.
Other names: c.278-1G>C (NM_006883.2).
Identifiers: ClinVar variation 3252826 (VCV003252826.1), dbSNP rs2522100714.